The following is an entry in ClinVar:

ClinVar aggregate classification (germline): Uncertain significance (1 of 4 stars; one submission).

Allele frequency attached by ClinVar (database versions not stated): gnomAD exomes below 0.00001.

Submission:

Labcorp Genetics (formerly Invitae), Labcorp
Classification: Uncertain significance. Last evaluated: 2020-01-23. Review status: criteria provided, single submitter. Criteria: Invitae Variant Classification Sherloc (09022015). Collection method: clinical testing. Allele origin: germline.
Comment: In summary, the available evidence is currently insufficient to determine the role of this variant in disease. Therefore, it has been classified as a Variant of Uncertain Significance. Algorithms developed to predict the effect of missense changes on protein structure and function are either unavailable or do not agree on the potential impact of this missense change (SIFT: "Deleterious"; PolyPhen-2: "Probably Damaging"; Align-GVGD: "Class C0"). This variant has not been reported in the literature in individuals with CDHR1-related conditions. This variant is not present in population databases (ExAC no frequency). This sequence change replaces proline with alanine at codon 792 of the CDHR1 protein (p.Pro792Ala). The proline residue is highly conserved and there is a small physicochemical difference between proline and alanine.

NM_033100.4(CDHR1):c.2374C>G (p.Pro792Ala)

Gene: CDHR1 (cadherin related family member 1; plus strand). Cytogenetic location: 10q23.1.
Variant type: single nucleotide variant.
Coding change: c.2374C>G on transcript NM_033100.4 (MANE Select); coding-DNA position 2374, C replaced by G.
Protein change: p.Pro792Ala; replaces proline 792 with alanine.
Molecular consequence: missense variant. On other transcripts: intron variant (1).
Genome position (GRCh38, 1-based): chr10:84,214,415, C>G. VCF-style: chr10-84214415-C-G. GRCh37 (hg19) VCF-style: chr10-85974171-C-G.
Other names: c.2040+1067C>G (NM_001171971.3); short protein forms P792A.
Identifiers: ClinVar variation 1046375 (VCV001046375.9), dbSNP rs1842392752, ClinGen allele CA377379973.